The following is an entry in ClinVar:

ClinVar aggregate classification (germline): Uncertain significance (1 of 4 stars; one submission).

Allele frequency attached by ClinVar (database versions not stated): TOPMed 0.00006; ExAC 0.00004; gnomAD 0.00005.
gnomAD v4.1: 123 of 1,613,646 alleles (0.0076%); highest among the groups gnomAD compares: Non-Finnish European, 0.01%; no homozygotes.

Submission:

Ambry Genetics
Classification: Uncertain significance. Last evaluated: 2023-01-18. Review status: criteria provided, single submitter. Criteria: Ambry Variant Classification Scheme 2023. Collection method: clinical testing. Allele origin: germline.
Comment: The p.W713L variant (also known as c.2138G>T), located in coding exon 18 of the RAD54L gene, results from a G to T substitution at nucleotide position 2138. The tryptophan at codon 713 is replaced by leucine, an amino acid with similar properties. This amino acid position is conserved. In addition, this alteration is predicted to be tolerated by in silico analysis. Since supporting evidence is limited at this time, the clinical significance of this alteration remains unclear.

NM_003579.4(RAD54L):c.2138G>T (p.Trp713Leu)

Genes: LRRC41 (leucine rich repeat containing 41; minus strand), RAD54L (RAD54 like; plus strand). Cytogenetic location: 1p34.1.
Variant type: single nucleotide variant.
Coding change: c.2138G>T on transcript NM_003579.4 (MANE Select); coding-DNA position 2138, G replaced by T.
Protein change: p.Trp713Leu; replaces tryptophan 713 with leucine.
Molecular consequence: missense variant. On other transcripts: 3 prime UTR variant (1).
Genome position (GRCh38, 1-based): chr1:46,278,176, G>T. VCF-style: chr1-46278176-G-T. GRCh37 (hg19) VCF-style: chr1-46743848-G-T.
Other names: c.*689C>A (NM_006369.5); c.2138G>T, p.Trp713Leu (NM_001142548.2); c.1598G>T, p.Trp533Leu (NM_001370766.1); short protein forms W713L, W533L.
Identifiers: ClinVar variation 2397577 (VCV002397577.2), dbSNP rs773031247, ClinGen allele CA834824.